The following is an entry in ClinVar:

NM_181303.2(NLGN3):c.1849C>T (p.Arg617Trp)

Gene: NLGN3 (neuroligin 3; plus strand). Cytogenetic location: Xq13.1.
Variant type: single nucleotide variant.
Coding change: c.1849C>T on transcript NM_181303.2 (MANE Select); coding-DNA position 1849, C replaced by T.
Protein change: p.Arg617Trp; replaces arginine 617 with tryptophan.
Molecular consequence: missense variant.
Genome position (GRCh38, 1-based): chrX:71,169,399, C>T. VCF-style: chrX-71169399-C-T. GRCh37 (hg19) VCF-style: chrX-70389249-C-T.
Other names: c.1729C>T, p.Arg577Trp (NM_001166660.2); c.1438C>T, p.Arg480Trp (NM_001321276.2); c.1789C>T, p.Arg597Trp (NM_018977.4); short protein forms R597W, R617W, R480W, R577W.
Identifiers: ClinVar variation 235850 (VCV000235850.3), dbSNP rs878853147, ClinGen allele CA10581468.

ClinVar aggregate classification (germline): Likely pathogenic. Review status: criteria provided, single submitter (1 of 4 stars). 2 submissions from 2 submitters: Likely pathogenic (1). 1 of the submissions does not count toward it. Last evaluated 2014-07-25.

Conditions:
Autism, susceptibility to, X-linked 1 (AUTSX1). Also called: Autism susceptibility, X-linked 1. Identifiers: MedGen C1845540, MONDO:0010321, OMIM 300425.
Intellectual disability. Also called: Intellectual functioning disability; Intellectual developmental disorder; intellectual disabilities. Identifiers: MedGen C3714756, MeSH D008607, MONDO:0001071, HP:0001249.

Allele frequency attached by ClinVar (database versions not stated): gnomAD exomes below 0.00001.
gnomAD v4.1: 1 of 1,206,965 alleles (0.000083%); highest among the groups gnomAD compares: Non-Finnish European, 0.00011%; no homozygotes.

Submissions (2):

Diagnostic Laboratory, Strasbourg University Hospital
Classification: Likely pathogenic for Intellectual disability. Last evaluated: 2014-07-25. Review status: criteria provided, single submitter. Criteria: submitter's publication. Collection method: clinical testing. Allele origin: maternal. Affected: yes. Observed: 3 variant alleles, 3 hemizygotes.

OMIM
Classification: risk factor for AUTISM, SUSCEPTIBILITY TO, X-LINKED 1. Last evaluated: 2026-11-13. Review status: no assertion criteria provided. Collection method: literature only. Allele origin: germline. Not counted in ClinVar's aggregate classification.

Literature cited by the submitters: PubMed 31184401 (cited by OMIM); PubMed 25167861 (cited by OMIM).